The following is an entry in ClinVar:

NM_001128840.3(CACNA1D):c.4894C>A (p.Pro1632Thr)

Gene: CACNA1D (calcium voltage-gated channel subunit alpha1 D; plus strand). Cytogenetic location: 3p21.1.
Variant type: single nucleotide variant.
Coding change: c.4894C>A on transcript NM_001128840.3 (MANE Select); coding-DNA position 4894, C replaced by A.
Protein change: p.Pro1632Thr; replaces proline 1632 with threonine.
Molecular consequence: missense variant.
Genome position (GRCh38, 1-based): chr3:53,786,923, C>A. VCF-style: chr3-53786923-C-A. GRCh37 (hg19) VCF-style: chr3-53820950-C-A.
Other names: c.4954C>A, p.Pro1652Thr (NM_000720.4); c.4849C>A, p.Pro1617Thr (NM_001128839.3); short protein forms P1632T, P1617T, P1652T.
Identifiers: ClinVar variation 4740369 (VCV004740369.1).

ClinVar aggregate classification (germline): Uncertain significance (1 of 4 stars; one submission).

gnomAD v4.1: 1 of 1,613,912 alleles (0.000062%); highest among the groups gnomAD compares: African/African-American, 0.0013%; no homozygotes.

Submission:

Labcorp Genetics (formerly Invitae), Labcorp
Classification: Uncertain significance. Last evaluated: 2025-03-21. Review status: criteria provided, single submitter. Criteria: Invitae Variant Classification Sherloc (09022015). Collection method: clinical testing. Allele origin: germline.
Comment: This sequence change replaces proline, which is neutral and non-polar, with threonine, which is neutral and polar, at codon 1652 of the CACNA1D protein (p.Pro1652Thr). This variant is present in population databases (no rsID available, gnomAD 0.01%). This variant has not been reported in the literature in individuals affected with CACNA1D-related conditions. Invitae Evidence Modeling of protein sequence and biophysical properties (such as structural, functional, and spatial information, amino acid conservation, physicochemical variation, residue mobility, and thermodynamic stability) indicates that this missense variant is not expected to disrupt CACNA1D protein function with a negative predictive value of 80%. In summary, the available evidence is currently insufficient to determine the role of this variant in disease. Therefore, it has been classified as a Variant of Uncertain Significance.